The following is an entry in ClinVar:

ClinVar aggregate classification (germline): Conflicting classifications of pathogenicity. Review status: criteria provided, conflicting classifications (1 of 4 stars). 7 submissions from 7 submitters: Uncertain significance (1); Likely benign (5). 1 of the submissions does not count toward it. Last evaluated 2026-09-01.

Conditions:
ATR-related disorder. Also called: ATR-related condition.
Inborn genetic diseases. Identifiers: MedGen C0950123, MeSH D030342.
Seckel syndrome 1 (SCKL1). Also called: MICROCEPHALIC PRIMORDIAL DWARFISM I. Identifiers: Orphanet 808, MedGen C4551474, MONDO:0008869, OMIM 210600.

Allele frequency attached by ClinVar (database versions not stated): ESP Exome Variant Server 0.00015; 1000 Genomes Project 30x 0.00016; 1000 Genomes Project 0.00020; gnomAD exomes 0.00020 and 0.00031; TOPMed 0.00021; ExAC 0.00033; gnomAD 0.00036 and 0.00037.
gnomAD v4.1: 353 of 1,614,120 alleles (0.022%); highest among the groups gnomAD compares: Non-Finnish European, 0.022%; 1 homozygote.

Submissions (7):

CeGaT Center for Human Genetics Tuebingen
Classification: Likely benign. Last evaluated: 2026-09-01. Review status: criteria provided, single submitter. Criteria: CeGaT Center For Human Genetics Tuebingen Variant Classification Criteria Version 2. Collection method: clinical testing. Allele origin: germline. Affected: yes. Observed: 12 variant alleles.
Comment: ATR: BP4, BP7

Labcorp Genetics (formerly Invitae), Labcorp
Classification: Likely benign. Last evaluated: 2026-01-07. Review status: criteria provided, single submitter. Criteria: Invitae Variant Classification Sherloc (09022015). Collection method: clinical testing. Allele origin: germline.

Blueprint Genetics
Classification: Likely benign. Last evaluated: 2024-11-25. Review status: criteria provided, single submitter. Criteria: ACMG Guidelines, 2015. Collection method: clinical testing. Allele origin: germline.

Ambry Genetics
Classification: Likely benign for Inborn genetic diseases. Last evaluated: 2022-02-12. Review status: criteria provided, single submitter. Criteria: Ambry Variant Classification Scheme 2023. Collection method: clinical testing. Allele origin: germline.

Genetic Services Laboratory, University of Chicago
Classification: Likely benign. Last evaluated: 2020-11-12. Review status: criteria provided, single submitter. Criteria: ACMG Guidelines, 2015. Collection method: clinical testing. Allele origin: germline. Affected: no.

Illumina Laboratory Services, Illumina
Classification: Uncertain significance for Seckel syndrome 1. Last evaluated: 2017-04-28. Review status: criteria provided, single submitter. Criteria: ICSL Variant Classification Criteria 13 December 2019. Collection method: clinical testing. Allele origin: germline.
Comment: This variant was observed as part of a predisposition screen in an ostensibly healthy population. A literature search was performed for the gene, cDNA change, and amino acid change (where applicable). Publications were found based on this search. However, the evidence from the literature, in combination with allele frequency data from public databases where available, was not sufficient to rule this variant in or out of causing disease. Therefore, this variant is classified as a variant of unknown significance.

PreventionGenetics, part of Exact Sciences
Classification: Likely benign for ATR-related condition. Last evaluated: 2024-04-04. Review status: no assertion criteria provided. Collection method: clinical testing. Allele origin: germline. Not counted in ClinVar's aggregate classification.
Comment: This variant is classified as likely benign based on ACMG/AMP sequence variant interpretation guidelines (Richards et al. 2015 PMID: 25741868, with internal and published modifications).

Literature cited by the submitters: PubMed 15987455 (cited by Illumina Laboratory Services, Illumina).

NM_001184.4(ATR):c.2946C>T (p.Phe982=)

Gene: ATR (ATR checkpoint kinase; minus strand). Cytogenetic location: 3q23.
Variant type: single nucleotide variant.
Coding change: c.2946C>T on transcript NM_001184.4 (MANE Select); coding-DNA position 2946, C replaced by T.
Protein change: p.Phe982=; no amino-acid change (phenylalanine 982 retained).
Molecular consequence: synonymous variant.
Genome position (GRCh38, 1-based): chr3:142,550,162, G>A on the plus strand (C>T on the coding strand, the complement: ATR is on the minus strand). VCF-style: chr3-142550162-G-A. GRCh37 (hg19) VCF-style: chr3-142269004-G-A.
Other names: c.2754C>T, p.Phe918= (NM_001354579.2).
Identifiers: ClinVar variation 901661 (VCV000901661.43), dbSNP rs138061993, ClinGen allele CA2650245.